The following is an entry in ClinVar:

NM_001429.4(EP300):c.1784C>T (p.Pro595Leu)

Gene: EP300 (EP300 lysine acetyltransferase; plus strand). Cytogenetic location: 22q13.2.
Variant type: single nucleotide variant.
Coding change: c.1784C>T on transcript NM_001429.4 (MANE Select); coding-DNA position 1784, C replaced by T.
Protein change: p.Pro595Leu; replaces proline 595 with leucine.
Molecular consequence: missense variant.
Genome position (GRCh38, 1-based): chr22:41,140,163, C>T. VCF-style: chr22-41140163-C-T. GRCh37 (hg19) VCF-style: chr22-41536167-C-T.
Other names: c.1784C>T, p.Pro595Leu (NM_001362843.2); short protein forms P595L.
Identifiers: ClinVar variation 2571162 (VCV002571162.27), dbSNP rs886057557, ClinGen allele CA10654160.

ClinVar aggregate classification (germline): Uncertain significance (1 of 4 stars; one submission).

Allele frequency attached by ClinVar (database versions not stated): gnomAD exomes below 0.00001; TOPMed 0.00001.
gnomAD v4.1: 1 of 1,613,958 alleles (0.000062%); highest among the groups gnomAD compares: East Asian, 0.0022%; no homozygotes.

Submission:

CeGaT Center for Human Genetics Tuebingen
Classification: Uncertain significance. Last evaluated: 2023-05-01. Review status: criteria provided, single submitter. Criteria: CeGaT Center For Human Genetics Tuebingen Variant Classification Criteria Version 2. Collection method: clinical testing. Allele origin: germline. Affected: yes. Observed: 1 variant allele.
Comment: EP300: PM2, PP3